The following is an entry in ClinVar:

NM_002225.5(IVD):c.*1577C>G

Gene: IVD (isovaleryl-CoA dehydrogenase; plus strand). Cytogenetic location: 15q15.1.
Variant type: single nucleotide variant.
Coding change: c.*1577C>G on transcript NM_002225.5 (MANE Select); 1577 bases downstream of the stop codon, C replaced by G.
Molecular consequence: 3 prime UTR variant. On other transcripts: intron variant (3).
Genome position (GRCh38, 1-based): chr15:40,419,840, C>G. VCF-style: chr15-40419840-C-G. GRCh37 (hg19) VCF-style: chr15-40712039-C-G.
Other names: c.*1577C>G (NM_001159508.3, NM_001354597.3, NM_001354599.3); c.1225+3478C>G (NM_001354600.3); c.1138+3478C>G (NM_001354598.3, NM_001354601.3).
Identifiers: ClinVar variation 315821 (VCV000315821.6), dbSNP rs11630850, ClinGen allele CA10635955.

ClinVar aggregate classification (germline): Benign. Review status: criteria provided, multiple submitters, no conflicts (2 of 4 stars). 2 submissions from 2 submitters: Benign (2). Last evaluated 2018-01-12.

Conditions:
Isovaleryl-CoA dehydrogenase deficiency (IVA). Also called: ISOVALERIC ACID CoA DEHYDROGENASE DEFICIENCY; IVD DEFICIENCY; Isovaleric acidemia; Classic Isovaleric Acidemia. Identifiers: Orphanet 33, MedGen C0268575, MONDO:0009475, OMIM 243500.

Allele frequency attached by ClinVar (database versions not stated): TOPMed 0.45002; gnomAD 0.47386; 1000 Genomes Project 30x 0.49375; 1000 Genomes Project 0.50679; gnomAD exomes 0.61364.

Submissions (2):

Illumina Laboratory Services, Illumina
Classification: Benign for Isovaleryl-CoA dehydrogenase deficiency. Last evaluated: 2018-01-12. Review status: criteria provided, single submitter. Criteria: ICSL Variant Classification Criteria 13 December 2019. Collection method: clinical testing. Allele origin: germline.
Comment: This variant was observed in the ICSL laboratory as part of a predisposition screen in an ostensibly healthy population. It had not been previously curated by ICSL or reported in the Human Gene Mutation Database (HGMD: prior to June 1st, 2018), and was therefore a candidate for classification through an automated scoring system. Utilizing variant allele frequency, disease prevalence and penetrance estimates, and inheritance mode, an automated score was calculated to assess if this variant is too frequent to cause the disease. Based on the score and internal cut-off values, a variant classified as benign is not then subjected to further curation. The score for this variant resulted in a classification of benign for this disease.

Breakthrough Genomics
Classification: Benign. Review status: criteria provided, single submitter. Criteria: ACMG Guidelines, 2015. Collection method: not provided. Allele origin: germline. Inheritance: Autosomal recessive inheritance. Affected: yes.